The following is an entry in ClinVar:

ClinVar aggregate classification (germline): Likely benign. Review status: criteria provided, multiple submitters, no conflicts (2 of 4 stars). 2 submissions from 2 submitters: Likely benign (2). Last evaluated 2023-07-07.

Conditions:
Wilson disease (WND). Also called: Wilson's disease. Identifiers: Orphanet 905, MedGen C0019202, MONDO:0010200, OMIM 277900. Disease mechanism: loss of function.

gnomAD v4.1: 3 of 1,613,866 alleles (0.00019%); highest among the groups gnomAD compares: African/African-American, 0.0027%; no homozygotes.

Submissions (2):

Labcorp Genetics (formerly Invitae), Labcorp
Classification: Likely benign for Wilson disease. Last evaluated: 2023-07-07. Review status: criteria provided, single submitter. Criteria: Invitae Variant Classification Sherloc (09022015). Collection method: clinical testing. Allele origin: germline.

All of Us Research Program, National Institutes of Health
Classification: Likely benign for Wilson disease. Last evaluated: 2022-12-07. Review status: criteria provided, single submitter. Criteria: ACMG Guidelines, 2015. Collection method: clinical testing. Allele origin: germline. Inheritance: Autosomal recessive inheritance. Observed: 1 variant allele, 1 heterozygote.
Comment: This study involves interpretation of variants in research participants for the purpose of population health screening. Participant phenotype was not available at the time of variant classification. Additional details can be found in publication PMID: 35346344, PMCID: PMC8962531

NM_000053.4(ATP7B):c.4164G>T (p.Ala1388=)

Gene: ATP7B (ATPase copper transporting beta; minus strand). Cytogenetic location: 13q14.3.
Variant type: single nucleotide variant.
Coding change: c.4164G>T on transcript NM_000053.4 (MANE Select); coding-DNA position 4164, G replaced by T.
Protein change: p.Ala1388=; no amino-acid change (alanine 1388 retained).
Molecular consequence: synonymous variant.
Genome position (GRCh38, 1-based): chr13:51,934,990, C>A on the plus strand (G>T on the coding strand, the complement: ATP7B is on the minus strand). VCF-style: chr13-51934990-C-A. GRCh37 (hg19) VCF-style: chr13-52509126-C-A.
Other names: c.3678G>T, p.Ala1226= (NM_001406541.1, NM_001406542.1); c.3672G>T, p.Ala1224= (NM_001406543.1); c.3582G>T, p.Ala1194= (NM_001406544.1); c.3516G>T, p.Ala1172= (NM_001406545.1); c.3483G>T, p.Ala1161= (NM_001406546.1); c.3321G>T, p.Ala1107= (NM_001406547.1); c.2874G>T, p.Ala958= (NM_001406548.1); c.3543G>T, p.Ala1181= (NM_001005918.3); and 21 more.
Identifiers: ClinVar variation 2727050 (VCV002727050.4), dbSNP rs756826065, ClinGen allele CA250071731.